The following is an entry in ClinVar:

NM_133433.4(NIPBL):c.8270G>T (p.Arg2757Leu)

Gene: NIPBL (NIPBL cohesin loading factor; plus strand). Cytogenetic location: 5p13.2.
Variant type: single nucleotide variant.
Coding change: c.8270G>T on transcript NM_133433.4 (MANE Select); coding-DNA position 8270, G replaced by T.
Protein change: p.Arg2757Leu; replaces arginine 2757 with leucine.
Molecular consequence: missense variant. On other transcripts: 3 prime UTR variant (1).
Genome position (GRCh38, 1-based): chr5:37,064,747, G>T. VCF-style: chr5-37064747-G-T. GRCh37 (hg19) VCF-style: chr5-37064849-G-T.
Other names: c.*724G>T (NM_015384.5); short protein forms R2757L.
Identifiers: ClinVar variation 972992 (VCV000972992.4), dbSNP rs868294395, ClinGen allele CA359522842.

ClinVar aggregate classification (germline): Uncertain significance (1 of 4 stars; one submission).

Conditions:
Cornelia de Lange syndrome 1 (CDLS1). Also called: TYPUS DEGENERATIVUS AMSTELODAMENSIS; Brachmann de Lange syndrome; NIPBL-Related Cornelia de Lange Syndrome. Identifiers: Orphanet 199, MedGen C4551851, MONDO:0007387, OMIM 122470.

Submission:

GeneDx
Classification: Uncertain significance. Last evaluated: 2019-06-06. Review status: criteria provided, single submitter. Criteria: GeneDx Variant Classification Process June 2021. Collection method: clinical testing. Allele origin: germline. Affected: yes.
Comment: Not observed in large population cohorts (Lek et al., 2016); In silico analysis, which includes protein predictors and evolutionary conservation, supports that this variant does not alter protein structure/function; Has not been previously published as pathogenic or benign to our knowledge